The following is an entry in ClinVar:

NM_001673.5(ASNS):c.1210C>T (p.Arg404Cys)

Genes: ASNS (asparagine synthetase (glutamine-hydrolyzing); minus strand), CZ1P-ASNS (CZ1P-ASNS readthrough; minus strand). Cytogenetic location: 7q21.3.
Variant type: single nucleotide variant.
Coding change: c.1210C>T on transcript NM_001673.5 (MANE Select); coding-DNA position 1210, C replaced by T.
Protein change: p.Arg404Cys; replaces arginine 404 with cysteine.
Molecular consequence: missense variant. On other transcripts: non-coding transcript variant (1).
Genome position (GRCh38, 1-based): chr7:97,854,608, G>A on the plus strand (C>T on the coding strand, the complement: ASNS is on the minus strand). VCF-style: chr7-97854608-G-A. GRCh37 (hg19) VCF-style: chr7-97483920-G-A.
Other names: NM_001352496.2:c.1210C>T; c.1147C>T, p.Arg383Cys (NM_001178075.2); c.961C>T, p.Arg321Cys (NM_001178076.2, NM_001178077.1); c.1210C>T, p.Arg404Cys (NM_001352496.2, NM_133436.3, NM_183356.4); short protein forms R383C, R321C, R404C.
Identifiers: ClinVar variation 1469079 (VCV001469079.10), dbSNP rs375234125, ClinGen allele CA4354568.

ClinVar aggregate classification (germline): Conflicting classifications of pathogenicity. Review status: criteria provided, conflicting classifications (1 of 4 stars). 5 submissions from 5 submitters: Likely pathogenic (3); Uncertain significance (2). Last evaluated 2026-07-06.

Conditions:
Congenital microcephaly - severe encephalopathy - progressive cerebral atrophy syndrome. Also called: ASNS DEFICIENCY; Asparagine synthetase deficiency. Identifiers: Orphanet 391376, MedGen C3809971, MONDO:0014258, OMIM 615574.

Allele frequency attached by ClinVar (database versions not stated): gnomAD 0.00001; gnomAD exomes 0.00001; ExAC 0.00002; TOPMed 0.00002; ESP Exome Variant Server 0.00008.

Submissions (5):

Myriad Genetics, Inc.
Classification: Uncertain significance for Congenital microcephaly - severe encephalopathy - progressive cerebral atrophy syndrome. Last evaluated: 2026-07-06. Review status: criteria provided, single submitter. Criteria: Myriad Autosomal Dominant, Autosomal Recessive and X-Linked Classification Criteria (2023). Collection method: clinical testing. Allele origin: unknown.
Comment: NM_001673.4(ASNS):c.1210C>T(R404C) is a missense variant classified as a variant of uncertain significance in the context of asparagine synthetase deficiency. R404C has been observed in cases with relevant disease (PMID: 34490615, 36374791). Relevant functional assessments of this variant are not available in the literature. Internal structural analysis of the variant is supportive of pathogenicity. R404C has been observed in referenced population frequency databases. In summary, there is insufficient evidence to classify NM_001673.4(ASNS):c.1210C>T(R404C) as pathogenic or benign. Please note: this variant was assessed in the context of healthy population screening.

Labcorp Genetics (formerly Invitae), Labcorp
Classification: Likely pathogenic. Last evaluated: 2025-10-26. Review status: criteria provided, single submitter. Criteria: Invitae Variant Classification Sherloc (09022015). Collection method: clinical testing. Allele origin: germline.
Comment: This sequence change replaces arginine, which is basic and polar, with cysteine, which is neutral and slightly polar, at codon 404 of the ASNS protein (p.Arg404Cys). This variant is present in population databases (rs375234125, gnomAD 0.004%). This missense change has been observed in individual(s) with microcephaly and/or seizures (PMID: 34490615, 36374791). ClinVar contains an entry for this variant (Variation ID: 1469079). Invitae Evidence Modeling of protein sequence and biophysical properties (such as structural, functional, and spatial information, amino acid conservation, physicochemical variation, residue mobility, and thermodynamic stability) indicates that this missense variant is expected to disrupt ASNS protein function with a positive predictive value of 80%. This variant disrupts the p.Arg404 amino acid residue in ASNS. Other variant(s) that disrupt this residue have been determined to be pathogenic (PMID: 27711071, 29405484). This suggests that this residue is clinically significant, and that variants that disrupt this residue are likely to be disease-causing. In summary, the currently available evidence indicates that the variant is pathogenic, but additional data are needed to prove that conclusively. Therefore, this variant has been classified as Likely Pathogenic.

Natera, Inc.
Classification: Likely pathogenic for Asparagine synthetase deficiency. Last evaluated: 2025-05-20. Review status: criteria provided, single submitter. Criteria: Natera Variant Classification Schema (03/2026). Collection method: clinical testing. Allele origin: germline.
Comment: The c.1210C>T variant in ASNS is a missense variant predicted to cause substitution of arginine to cysteine at amino acid 404. This variant is rare in the general population with a frequency below the threshold expected for the associated phenotype(s). This variant has been observed in one or more individuals affected with the associated recessive disease, as either homozygous or compound heterozygous with a second variant (PMID: 36374791, 34490615). A different variant at the same position has been determined to be Pathogenic or Likely Pathogenic. Computational prediction algorithms indicate this variant is likely to affect gene or protein function. Given the available evidence, this variant is classified as Likely Pathogenic.

Broad Center for Mendelian Genomics, Broad Institute of MIT and Harvard
Classification: Uncertain significance for Congenital microcephaly - severe encephalopathy - progressive cerebral atrophy syndrome. Last evaluated: 2025-04-28. Review status: criteria provided, single submitter. Criteria: ACMG Guidelines, 2015. Collection method: curation. Allele origin: germline. Inheritance: Autosomal recessive inheritance.
Comment: This variant has also been reported in 2 individuals with microcephaly and/or neurological symptoms (PMID: 34490615, 36374791), and has been identified in 0.003% (3/91076) of South Asian chromosomes by the Genome Aggregation Database (gnomAD; dbSNP ID: rs375234125). Although this variant has been seen in the general population, its frequency is low enough to be consistent with a recessive carrier frequency. This variant has also been reported in ClinVar (Variation ID: 1469079) and has been interpreted as likely pathogenic by Labcorp Genetics and Fulgent Genetics. Of the 3 affected individuals, one was a homozygote, which increases the likelihood that the p.Arg404Cys variant is pathogenic (PMID: 36374791). Computational prediction tools and conservation analyses suggest that this variant may impact the protein, though this information is not predictive enough to determine pathogenicity. One additional likely pathogenic variant, resulting in a different amino acid change at the same position, p.Arg404His, has been reported in association with disease in ClinVar, slightly supporting that a change at this position may not be tolerated (Variation ID: 1252063). In summary, while there is some suspicion for a pathogenic role, the clinical significance of this variant is uncertain. ACMG/AMP Criteria applied: PM2_supporting, PP3, PM3_supporting, PM5_supporting (Richards 2015).

Fulgent Genetics
Classification: Likely pathogenic for Congenital microcephaly - severe encephalopathy - progressive cerebral atrophy syndrome. Last evaluated: 2024-05-07. Review status: criteria provided, single submitter. Criteria: ACMG Guidelines, 2015. Collection method: clinical testing. Allele origin: germline.

Literature cited by the submitters: PubMed 34490615 (cited by 3 submitters); PubMed 36374791 (cited by 3 submitters); PubMed 27711071 (cited by Labcorp Genetics (formerly Invitae), Labcorp); PubMed 29405484 (cited by Labcorp Genetics (formerly Invitae), Labcorp).